The following is an entry in ClinVar:

NM_000429.3(MAT1A):c.712G>A (p.Glu238Lys)

Gene: MAT1A (methionine adenosyltransferase 1A; minus strand). Cytogenetic location: 10q22.3.
Variant type: single nucleotide variant.
Coding change: c.712G>A on transcript NM_000429.3 (MANE Select); coding-DNA position 712, G replaced by A.
Protein change: p.Glu238Lys; replaces glutamic acid 238 with lysine.
Molecular consequence: missense variant.
Genome position (GRCh38, 1-based): chr10:80,276,432, C>T on the plus strand (G>A on the coding strand, the complement: MAT1A is on the minus strand). VCF-style: chr10-80276432-C-T. GRCh37 (hg19) VCF-style: chr10-82036188-C-T.
Other names: short protein forms E238K.
Identifiers: ClinVar variation 431707 (VCV000431707.13), dbSNP rs116528173, ClinGen allele CA5576728.

ClinVar aggregate classification (germline): Conflicting classifications of pathogenicity. Review status: criteria provided, conflicting classifications (1 of 4 stars). 4 submissions from 4 submitters: Uncertain significance (2); Benign (1); Likely benign (1). Last evaluated 2025-10-20.

Conditions:
Hepatic methionine adenosyltransferase deficiency. Also called: MAT I/III DEFICIENCY; Isolated Persistent Hypermethioninemia; Methionine adenosyltransferase deficiency; Deficiency of methionine adenosyltransferase. Identifiers: Orphanet 168598, MedGen C0268621, MeSH C564683, MONDO:0009607, OMIM 250850.

Allele frequency attached by ClinVar (database versions not stated): gnomAD 0.00022 and 0.00033; TOPMed 0.00024; gnomAD exomes 0.00033 and 0.00056; ExAC 0.00057; 1000 Genomes Project 30x 0.00156; 1000 Genomes Project 0.00180.
gnomAD v4.1: 521 of 1,614,150 alleles (0.032%); highest among the groups gnomAD compares: East Asian, 1%; 2 homozygotes.

Submissions (4):

Labcorp Genetics (formerly Invitae), Labcorp
Classification: Benign for Hepatic methionine adenosyltransferase deficiency. Last evaluated: 2025-10-20. Review status: criteria provided, single submitter. Criteria: Invitae Variant Classification Sherloc (09022015). Collection method: clinical testing. Allele origin: germline.

Department of Pathology and Laboratory Medicine, Sinai Health System
Classification: Uncertain significance for Hepatic methionine adenosyltransferase deficiency. Last evaluated: 2022-06-22. Review status: criteria provided, single submitter. Criteria: ACMG Guidelines, 2015. Collection method: research. Allele origin: germline.

Illumina Laboratory Services, Illumina
Classification: Likely benign for Hepatic methionine adenosyltransferase deficiency. Last evaluated: 2018-01-12. Review status: criteria provided, single submitter. Criteria: ICSL Variant Classification Criteria 13 December 2019. Collection method: clinical testing. Allele origin: germline.
Comment: This variant was observed in the ICSL laboratory as part of a predisposition screen in an ostensibly healthy population. It had not been previously curated by ICSL or reported in the Human Gene Mutation Database (HGMD: prior to June 1st, 2018), and was therefore a candidate for classification through an automated scoring system. Utilizing variant allele frequency, disease prevalence and penetrance estimates, and inheritance mode, an automated score was calculated to assess if this variant is too frequent to cause the disease. Based on the score and internal cut-off values, a variant classified as likely benign is not then subjected to further curation. The score for this variant resulted in a classification of likely benign for this disease.

TIDEX, University of British Columbia
Classification: Uncertain significance for Hepatic methionine adenosyltransferase deficiency. Review status: criteria provided, single submitter. Criteria: ACMG Guidelines, 2015. Collection method: research. Allele origin: paternal. Inheritance: Autosomal recessive inheritance. Affected: yes.